The following is an entry in ClinVar:

ClinVar aggregate classification (germline): Uncertain significance (1 of 4 stars; one submission).

Conditions:
Familial melanoma. Also called: Hereditary melanoma; Hereditary cutaneous melanoma. Identifiers: Orphanet 618, MedGen C1512419, MONDO:0018961.

Submission:

Labcorp Genetics (formerly Invitae), Labcorp
Classification: Uncertain significance for Familial melanoma. Last evaluated: 2025-02-10. Review status: criteria provided, single submitter. Criteria: Invitae Variant Classification Sherloc (09022015). Collection method: clinical testing. Allele origin: germline.
Comment: This sequence change replaces alanine, which is neutral and non-polar, with proline, which is neutral and non-polar, at codon 40 of the CDKN2A (p16INK4a) protein (p.Ala40Pro). This variant is not present in population databases (gnomAD no frequency). This variant has not been reported in the literature in individuals affected with CDKN2A (p16INK4a)-related conditions. ClinVar contains an entry for this variant (Variation ID: 1063406). An algorithm developed to predict the effect of missense changes on protein structure and function (PolyPhen-2) suggests that this variant is likely to be disruptive. In summary, the available evidence is currently insufficient to determine the role of this variant in disease. Therefore, it has been classified as a Variant of Uncertain Significance.

NM_000077.5(CDKN2A):c.118G>C (p.Ala40Pro)

Gene: CDKN2A (cyclin dependent kinase inhibitor 2A; minus strand). Cytogenetic location: 9p21.3.
Variant type: single nucleotide variant.
Coding change: c.118G>C on transcript NM_000077.5; coding-DNA position 118, G replaced by C.
Protein change: p.Ala40Pro; replaces alanine 40 with proline.
Molecular consequence: missense variant (on NM_000077.6). On other transcripts: intron variant (2).
Genome position (GRCh38, 1-based): chr9:21,974,710, C>G on the plus strand (G>C on the coding strand, the complement: CDKN2A is on the minus strand). VCF-style: chr9-21974710-C-G. GRCh37 (hg19) VCF-style: chr9-21974709-C-G.
Other names: c.118G>C, p.Ala40Pro (NM_000077.6, NM_001195132.2, NM_058197.5); c.-3-3502G>C (NM_001363763.2); c.194-3502G>C (NM_058195.4); short protein forms A40P.
Identifiers: ClinVar variation 1063406 (VCV001063406.9), dbSNP rs1554656295, ClinGen allele CA373086534.